The following is an entry in ClinVar:

NM_001200.4(BMP2):c.175A>G (p.Ser59Gly)

Gene: BMP2 (bone morphogenetic protein 2; plus strand). Cytogenetic location: 20p12.3.
Variant type: single nucleotide variant.
Coding change: c.175A>G on transcript NM_001200.4 (MANE Select); coding-DNA position 175, A replaced by G.
Protein change: p.Ser59Gly; replaces serine 59 with glycine.
Molecular consequence: missense variant.
Genome position (GRCh38, 1-based): chr20:6,770,301, A>G. VCF-style: chr20-6770301-A-G. GRCh37 (hg19) VCF-style: chr20-6750948-A-G.
Other names: short protein forms S59G.
Identifiers: ClinVar variation 2388682 (VCV002388682.4), dbSNP rs147880089, ClinGen allele CA9758612.

ClinVar aggregate classification (germline): Uncertain significance. Review status: criteria provided, multiple submitters, no conflicts (2 of 4 stars). 2 submissions from 2 submitters: Uncertain significance (2). Last evaluated 2025-08-25.

Conditions:
Inborn genetic diseases. Identifiers: MedGen C0950123, MeSH D030342.

Allele frequency attached by ClinVar (database versions not stated): ExAC 0.00003; gnomAD 0.00005; ESP Exome Variant Server 0.00008; TOPMed 0.00008; gnomAD exomes 0.00009.
gnomAD v4.1: 131 of 1,613,180 alleles (0.0081%); highest among the groups gnomAD compares: Non-Finnish European, 0.01%; 1 homozygote.

Submissions (2):

Ambry Genetics
Classification: Uncertain significance for Inborn genetic diseases. Last evaluated: 2025-08-25. Review status: criteria provided, single submitter. Criteria: Ambry Variant Classification Scheme 2023. Collection method: clinical testing. Allele origin: germline.

Labcorp Genetics (formerly Invitae), Labcorp
Classification: Uncertain significance. Last evaluated: 2025-07-06. Review status: criteria provided, single submitter. Criteria: Invitae Variant Classification Sherloc (09022015). Collection method: clinical testing. Allele origin: germline.
Comment: This sequence change replaces serine, which is neutral and polar, with glycine, which is neutral and non-polar, at codon 59 of the BMP2 protein (p.Ser59Gly). This variant is present in population databases (rs147880089, gnomAD 0.01%), including at least one homozygous and/or hemizygous individual. This variant has not been reported in the literature in individuals affected with BMP2-related conditions. ClinVar contains an entry for this variant (Variation ID: 2388682). An algorithm developed to predict the effect of missense changes on protein structure and function (PolyPhen-2) suggests that this variant is likely to be disruptive. In summary, the available evidence is currently insufficient to determine the role of this variant in disease. Therefore, it has been classified as a Variant of Uncertain Significance.